The following is an entry in ClinVar:

ClinVar aggregate classification (germline): Benign/Likely benign. Review status: criteria provided, multiple submitters, no conflicts (2 of 4 stars). 3 submissions from 2 submitters: Benign (2); Likely benign (1). Last evaluated 2018-01-12.

Conditions:
Sacral defect with anterior meningocele. Identifiers: MedGen C1838568, OMIM 600145.
Neural tube defect (NTD). Also called: Neural tube defects. Identifiers: Orphanet 3388, Orphanet 823, MedGen C0027794, MONDO:0018075, HP:0045005.

Allele frequency attached by ClinVar (database versions not stated): TOPMed 0.22770; gnomAD 0.22923 and 0.23137; 1000 Genomes Project 30x 0.24282; 1000 Genomes Project 0.24760; gnomAD exomes 0.41667.
gnomAD v4.1: 35,371 of 152,164 alleles (23%); highest among the groups gnomAD compares: South Asian, 29%; 4,167 homozygotes.

Submissions (3):

Illumina Laboratory Services, Illumina
Classification: Benign for Neural tube defects, susceptibility to. Last evaluated: 2018-01-12. Review status: criteria provided, single submitter. Criteria: ICSL Variant Classification Criteria 13 December 2019. Collection method: clinical testing. Allele origin: germline.
Comment: This variant was observed in the ICSL laboratory as part of a predisposition screen in an ostensibly healthy population. It had not been previously curated by ICSL or reported in the Human Gene Mutation Database (HGMD: prior to June 1st, 2018), and was therefore a candidate for classification through an automated scoring system. Utilizing variant allele frequency, disease prevalence and penetrance estimates, and inheritance mode, an automated score was calculated to assess if this variant is too frequent to cause the disease. Based on the score and internal cut-off values, a variant classified as benign is not then subjected to further curation. The score for this variant resulted in a classification of benign for this disease.

Illumina Laboratory Services, Illumina
Classification: Benign for Sacral defect with anterior meningocele. Last evaluated: 2018-01-12. Review status: criteria provided, single submitter. Criteria: ICSL Variant Classification Criteria 13 December 2019. Collection method: clinical testing. Allele origin: germline.
Comment: the same text as in the submission from Illumina Laboratory Services, Illumina above.

Breakthrough Genomics
Classification: Likely benign. Review status: criteria provided, single submitter. Criteria: ACMG Guidelines, 2015. Collection method: not provided. Allele origin: germline. Inheritance: Autosomal dominant inheritance. Affected: yes.

NM_138959.3(VANGL1):c.*6199A>T

Gene: VANGL1 (VANGL planar cell polarity protein 1; plus strand). Cytogenetic location: 1p13.1.
Variant type: single nucleotide variant.
Coding change: c.*6199A>T on transcript NM_138959.3 (MANE Select); 6199 bases downstream of the stop codon, A replaced by T.
Molecular consequence: 3 prime UTR variant.
Genome position (GRCh38, 1-based): chr1:115,697,578, A>T. VCF-style: chr1-115697578-A-T. GRCh37 (hg19) VCF-style: chr1-116240199-A-T.
Other names: c.*6199A>T (NM_001172411.2, NM_001172412.2).
Identifiers: ClinVar variation 292105 (VCV000292105.8), dbSNP rs3811007, ClinGen allele CA10607795.
Genomic context (GRCh38, chr1:115,697,578, plus strand): 5'-ATGCCAGCAAAGATGAGGGTGGGGGCAGATACTGGCTCAGTGATTTAACTCACATTATAG[A>T]TGACCCCTTCCTCAACAGAAATGCTACTGAGAGAACCAGAGAGGCCTGGGCCAGGCAGGT-3'